The following is an entry in ClinVar:

ClinVar aggregate classification (germline): Likely pathogenic (1 of 4 stars; one submission).

Conditions:
Marfan syndrome (MFS). Also called: MARFAN SYNDROME, TYPE I; Marfan syndrome type 1; Marfan's syndrome; FBN1-Related Marfan Syndrome; Marfan syndrome, classic. Identifiers: Orphanet 284963, Orphanet 558, MedGen C0024796, MONDO:0007947, OMIM 154700.

Submission:

Juno Genomics, Hangzhou Juno Genomics, Inc
Classification: Likely pathogenic for Marfan syndrome. Review status: criteria provided, single submitter. Criteria: ACMG Guidelines, 2015. Collection method: clinical testing. Allele origin: germline. Affected: yes.
Comment: Absent from controls (or at extremely low frequency if recessive) in Genome Aggregation Database, Exome Sequencing Project, 1000 Genomes Project, or Exome Aggregation Consortium.;Multiple lines of computational evidence support a deleterious effect on the gene or gene product (conservation, evolutionary, splicing impact, etc).;Missense variant in a gene that has a low rate of benign missense variation and where missense variants are a common mechanism of disease.;The prevalence of the variant in affected individuals is significantly increased compared to the prevalence in controls.;Patient's phenotype or family history is highly specific for a disease with a single genetic etiology.

NM_000138.5(FBN1):c.5756G>A (p.Gly1919Asp)

Gene: FBN1 (fibrillin 1; minus strand). Cytogenetic location: 15q21.1.
Variant type: single nucleotide variant.
Coding change: c.5756G>A on transcript NM_000138.5 (MANE Select); coding-DNA position 5756, G replaced by A.
Protein change: p.Gly1919Asp; replaces glycine 1919 with aspartic acid.
Molecular consequence: missense variant.
Genome position (GRCh38, 1-based): chr15:48,446,738, C>T on the plus strand (G>A on the coding strand, the complement: FBN1 is on the minus strand). VCF-style: chr15-48446738-C-T. GRCh37 (hg19) VCF-style: chr15-48738935-C-T.
Other names: c.5756G>A, p.Gly1919Asp (NM_001406716.1); short protein forms G1919D.
Identifiers: ClinVar variation 3382285 (VCV003382285.2).